The following is an entry in ClinVar:

NM_001458.5(FLNC):c.6390C>T (p.Gly2130=)

Genes: FLNC (filamin C; plus strand), FLNC-AS1 (FLNC antisense RNA 1; minus strand). Cytogenetic location: 7q32.1.
Variant type: single nucleotide variant.
Coding change: c.6390C>T on transcript NM_001458.5 (MANE Select); coding-DNA position 6390, C replaced by T.
Protein change: p.Gly2130=; no amino-acid change (glycine 2130 retained).
Molecular consequence: synonymous variant.
Genome position (GRCh38, 1-based): chr7:128,853,743, C>T. VCF-style: chr7-128853743-C-T. GRCh37 (hg19) VCF-style: chr7-128493797-C-T.
Other names: c.6291C>T, p.Gly2097= (NM_001127487.2).
Identifiers: ClinVar variation 472133 (VCV000472133.14), dbSNP rs746751083, ClinGen allele CA4475970.

ClinVar aggregate classification (germline): Conflicting classifications of pathogenicity. Review status: criteria provided, conflicting classifications (1 of 4 stars). 4 submissions from 4 submitters: Uncertain significance (1); Benign (1); Likely benign (2). Last evaluated 2026-01-27.

Conditions:
Distal myopathy with posterior leg and anterior hand involvement. Also called: WILLIAMS DISTAL MYOPATHY. Identifiers: Orphanet 63273, MedGen C3279722, MONDO:0013550, OMIM 614065.
Myofibrillar myopathy 5. Also called: Filaminopathy (type); FILAMINOPATHY, AUTOSOMAL DOMINANT. Identifiers: Orphanet 171445, MedGen C1836050, MONDO:0012289, OMIM 609524.
Hypertrophic cardiomyopathy 26. Also called: Cardiomyopathy, familial hypertrophic, 26. Identifiers: Orphanet 75249, MedGen C4310749, MONDO:0014883, OMIM 617047.
Cardiovascular phenotype. Identifiers: MedGen CN230736.

Allele frequency attached by ClinVar (database versions not stated): gnomAD 0.00003 and 0.00004; gnomAD exomes 0.00003; ExAC 0.00004; TOPMed 0.00005.
gnomAD v4.1: 44 of 1,613,760 alleles (0.0027%); highest among the groups gnomAD compares: East Asian, 0.0045%; no homozygotes.

Submissions (4):

Labcorp Genetics (formerly Invitae), Labcorp
Classification: Benign for Distal myopathy with posterior leg and anterior hand involvement; Myofibrillar myopathy 5; Hypertrophic cardiomyopathy 26. Last evaluated: 2026-01-27. Review status: criteria provided, single submitter. Criteria: Invitae Variant Classification Sherloc (09022015). Collection method: clinical testing. Allele origin: germline.

Women's Health and Genetics/Laboratory Corporation of America, LabCorp
Classification: Likely benign. Last evaluated: 2024-08-13. Review status: criteria provided, single submitter. Criteria: LabCorp Variant Classification Summary - May 2015. Collection method: clinical testing. Allele origin: germline.
Comment: Variant summary: FLNC c.6390C>T alters a conserved nucleotide resulting in a synonymous change. Several computational tools predict a significant impact on normal splicing: Four predict the variant creates a 5' donor site. However, these predictions have yet to be confirmed by functional studies. The variant allele was found at a frequency of 2.7e-05 in 1613760 control chromosomes. The observed variant frequency is approximately 3 fold of the estimated maximal expected allele frequency for a pathogenic variant in FLNC causing Dilated Cardiomyopathy phenotype (7.8e-06). To our knowledge, no occurrence of c.6390C>T in individuals affected with Dilated Cardiomyopathy and no experimental evidence demonstrating its impact on protein function have been reported. ClinVar contains an entry for this variant (Variation ID: 472133). Based on the evidence outlined above, the variant was classified as likely benign.

Ambry Genetics
Classification: Likely benign for Cardiovascular phenotype. Last evaluated: 2020-09-15. Review status: criteria provided, single submitter. Criteria: Ambry Variant Classification Scheme 2023. Collection method: clinical testing. Allele origin: germline.

GeneDx
Classification: Uncertain significance. Last evaluated: 2018-08-17. Review status: criteria provided, single submitter. Criteria: GeneDx Variant Classification (06012015). Collection method: clinical testing. Allele origin: germline. Affected: yes.
Comment: A variant of uncertain significance has been identified in the FLNC gene. The G2130G variant has not been published as a pathogenic variant, nor has it been reported as a benign variant to our knowledge. The G2130G variant is observed in 3/17246 (0.017%) alleles from individuals of East Asian background in large population cohorts (Lek et al., 2016). Based on the currently available information, it is unclear whether this variant is a pathogenic variant or a rare benign variant.